The following is an entry in ClinVar:

ClinVar aggregate classification (germline): Uncertain significance (1 of 4 stars; one submission).

Submission:

GeneDx
Classification: Uncertain significance. Last evaluated: 2026-01-26. Review status: criteria provided, single submitter. Criteria: GeneDx Variant Classification Process June 2021. Collection method: clinical testing. Allele origin: germline.
Comment: Not observed at significant frequency in large population cohorts (gnomAD); In silico analysis suggests that this missense variant does not alter protein structure/function; Has not been previously published as pathogenic or benign to our knowledge

NM_002168.4(IDH2):c.299C>G (p.Ser100Cys)

Gene: IDH2 (isocitrate dehydrogenase (NADP(+)) 2; minus strand). Cytogenetic location: 15q26.1.
Variant type: single nucleotide variant.
Coding change: c.299C>G on transcript NM_002168.4 (MANE Select); coding-DNA position 299, C replaced by G.
Protein change: p.Ser100Cys; replaces serine 100 with cysteine.
Molecular consequence: missense variant. On other transcripts: intron variant (1).
Genome position (GRCh38, 1-based): chr15:90,090,553, G>C on the plus strand (C>G on the coding strand, the complement: IDH2 is on the minus strand). VCF-style: chr15-90090553-G-C. GRCh37 (hg19) VCF-style: chr15-90633785-G-C.
Other names: c.143C>G, p.Ser48Cys (NM_001289910.1); c.-17-1806C>G (NM_001290114.2); short protein forms S100C, S48C.
Identifiers: ClinVar variation 4975648 (VCV004975648.1).
Genomic context (GRCh38, chr15:90,090,553, plus strand): 5'-TCATCAGGGGTGATGGTGGCACACTTGACAGCCACACTGTACTTCTGGGTGGCCAGTGCA[G>C]AGTCAATGGTGACCTGGTCATCAGTCTGGTCACGGTTTGGGAGCCCGAGGTCAAAATACT-3'
Protein context (NP_002159.2, residues 90-110): DQTDDQVTID[Ser100Cys]ALATQKYSVA